The following is an entry in ClinVar:

ClinVar aggregate classification (germline): Conflicting classifications of pathogenicity. Review status: criteria provided, conflicting classifications (1 of 4 stars). 2 submissions from 2 submitters: Uncertain significance (1); Likely benign (1). Last evaluated 2025-01-15.

Conditions:
Generalized epilepsy-paroxysmal dyskinesia syndrome (PNKD3). Also called: Generalized epilepsy and paroxysmal dyskinesia; Paroxysmal nonkinesigenic dyskinesia, 3, with or without generalized epilepsy. Identifiers: Orphanet 79137, MedGen C5574945, MONDO:0012276, OMIM 609446.

Allele frequency attached by ClinVar (database versions not stated): gnomAD 0.00001; TOPMed 0.00001.
gnomAD v4.1: 7 of 1,443,828 alleles (0.00048%); highest among the groups gnomAD compares: Non-Finnish European, 0.00056%; no homozygotes.

Submissions (2):

Labcorp Genetics (formerly Invitae), Labcorp
Classification: Likely benign for Generalized epilepsy-paroxysmal dyskinesia syndrome. Last evaluated: 2025-01-15. Review status: criteria provided, single submitter. Criteria: Invitae Variant Classification Sherloc (09022015). Collection method: clinical testing. Allele origin: germline.

GeneDx
Classification: Uncertain significance. Last evaluated: 2023-07-12. Review status: criteria provided, single submitter. Criteria: GeneDx Variant Classification Process June 2021. Collection method: clinical testing. Allele origin: germline. Affected: yes.
Comment: Not observed at significant frequency in large population cohorts (gnomAD); In silico analysis supports that this variant does not alter splicing; Has not been previously published as pathogenic or benign to our knowledge

NM_001161352.2(KCNMA1):c.54C>G (p.Gly18=)

Gene: KCNMA1 (potassium calcium-activated channel subfamily M alpha 1; minus strand). Cytogenetic location: 10q22.3.
Variant type: single nucleotide variant.
Coding change: c.54C>G on transcript NM_001161352.2 (MANE Select); coding-DNA position 54, C replaced by G.
Protein change: p.Gly18=; no amino-acid change (glycine 18 retained).
Molecular consequence: synonymous variant.
Genome position (GRCh38, 1-based): chr10:77,637,589, G>C on the plus strand (C>G on the coding strand, the complement: KCNMA1 is on the minus strand). VCF-style: chr10-77637589-G-C. GRCh37 (hg19) VCF-style: chr10-79397347-G-C.
Other names: c.54C>G (NM_002247.3); c.54C>G, p.Gly18= (NM_001014797.3, NM_001161353.2, NM_001271518.2 and 13 more transcripts).
Identifiers: ClinVar variation 2159128 (VCV002159128.5), dbSNP rs1043608536, ClinGen allele CA470654641.